The following is an entry in ClinVar:

ClinVar aggregate classification (germline): Uncertain significance. Review status: criteria provided, multiple submitters, no conflicts (2 of 4 stars). 3 submissions from 3 submitters: Uncertain significance (3). Last evaluated 2025-12-20.

Conditions:
Hereditary cancer-predisposing syndrome. Also called: Hereditary neoplastic syndrome; Neoplastic Syndromes, Hereditary; Tumor predisposition; Hereditary Cancer Syndrome. Identifiers: Orphanet 140162, MedGen C0027672, MeSH D009386, MONDO:0015356.
Familial cancer of breast. Also called: Hereditary breast cancer; BREAST CANCER, FAMILIAL; hereditary breast carcinoma. Identifiers: Orphanet 227535, MedGen C0346153, MONDO:0016419, OMIM 114480. Disease mechanism: loss of function.

Submissions (3):

Labcorp Genetics (formerly Invitae), Labcorp
Classification: Uncertain significance for Familial cancer of breast. Last evaluated: 2025-12-20. Review status: criteria provided, single submitter. Criteria: Invitae Variant Classification Sherloc (09022015). Collection method: clinical testing. Allele origin: germline.
Comment: This sequence change replaces glycine, which is neutral and non-polar, with arginine, which is basic and polar, at codon 273 of the BARD1 protein (p.Gly273Arg). This variant is not present in population databases (gnomAD no frequency). This variant has not been reported in the literature in individuals affected with BARD1-related conditions. ClinVar contains an entry for this variant (Variation ID: 2096177). An algorithm developed to predict the effect of missense changes on protein structure and function outputs the following: PolyPhen-2: "Benign". The arginine amino acid residue is found in multiple mammalian species, which suggests that this missense change does not adversely affect protein function. In summary, the available evidence is currently insufficient to determine the role of this variant in disease. Therefore, it has been classified as a Variant of Uncertain Significance.

Color Diagnostics, LLC DBA Color Health
Classification: Uncertain significance for Hereditary cancer-predisposing syndrome. Last evaluated: 2025-09-14. Review status: criteria provided, single submitter. Criteria: ACMG Guidelines, 2015. Collection method: clinical testing. Allele origin: germline.
Comment: This missense variant replaces glycine with arginine at codon 273 of the BARD1 protein. Computational prediction suggests that this variant may not impact protein structure and function. To our knowledge, functional studies have not been reported for this variant. This variant has not been reported in individuals affected with BARD1-related disorders in the literature. This variant has not been identified in the general population by the Genome Aggregation Database (gnomAD). The available evidence is insufficient to determine the role of this variant in disease conclusively. Therefore, this variant is classified as a Variant of Uncertain Significance.

Ambry Genetics
Classification: Uncertain significance for Hereditary cancer-predisposing syndrome. Last evaluated: 2025-04-12. Review status: criteria provided, single submitter. Criteria: Ambry Variant Classification Scheme 2023. Collection method: clinical testing. Allele origin: germline.
Comment: The p.G273R variant (also known as c.817G>A), located in coding exon 4 of the BARD1 gene, results from a G to A substitution at nucleotide position 817. The glycine at codon 273 is replaced by arginine, an amino acid with dissimilar properties. This amino acid position is conserved. In addition, this alteration is predicted to be tolerated by in silico analysis. Based on the available evidence, the clinical significance of this variant remains unclear.

NM_000465.4(BARD1):c.817G>A (p.Gly273Arg)

Gene: BARD1 (BRCA1 associated RING domain 1; minus strand). Cytogenetic location: 2q35.
Variant type: single nucleotide variant.
Coding change: c.817G>A on transcript NM_000465.4 (MANE Select); coding-DNA position 817, G replaced by A.
Protein change: p.Gly273Arg; replaces glycine 273 with arginine.
Molecular consequence: missense variant. On other transcripts: non-coding transcript variant (2), intron variant (3).
Genome position (GRCh38, 1-based): chr2:214,781,057, C>T on the plus strand (G>A on the coding strand, the complement: BARD1 is on the minus strand). VCF-style: chr2-214781057-C-T. GRCh37 (hg19) VCF-style: chr2-215645781-C-T.
Other names: c.760G>A, p.Gly254Arg (NM_001282543.2); c.158+28355G>A (NM_001282548.2); c.215+16004G>A (NM_001282545.2); c.364+11240G>A (NM_001282549.2); c.817G>A (NM_000465.2); short protein forms G273R, G254R.
Identifiers: ClinVar variation 2096177 (VCV002096177.6), dbSNP rs2469507883, ClinGen allele CA350455487.